The following is an entry in ClinVar:

ClinVar aggregate classification (germline): Uncertain significance (1 of 4 stars; one submission).

Conditions:
Early-infantile DEE. Also called: Ohtahara syndrome; Early infantile epileptic encephalopathy with suppression bursts; Early infantile epileptic encephalopathy. Identifiers: Orphanet 1934, MedGen C0393706, MONDO:0800491.

Submission:

Labcorp Genetics (formerly Invitae), Labcorp
Classification: Uncertain significance for Early-infantile DEE. Last evaluated: 2020-02-21. Review status: criteria provided, single submitter. Criteria: Invitae Variant Classification Sherloc (09022015). Collection method: clinical testing. Allele origin: germline.
Comment: Algorithms developed to predict the effect of missense changes on protein structure and function are either unavailable or do not agree on the potential impact of this missense change (SIFT: "Deleterious"; PolyPhen-2: "Benign"; Align-GVGD: "Class C0"). In summary, the available evidence is currently insufficient to determine the role of this variant in disease. Therefore, it has been classified as a Variant of Uncertain Significance. This variant has not been reported in the literature in individuals with KCNQ2-related conditions. This variant is not present in population databases (ExAC no frequency). This sequence change replaces proline with glutamine at codon 420 of the KCNQ2 protein (p.Pro420Gln). The proline residue is weakly conserved and there is a moderate physicochemical difference between proline and glutamine.

NM_172107.4(KCNQ2):c.1259C>A (p.Pro420Gln)

Gene: KCNQ2 (potassium voltage-gated channel subfamily Q member 2; minus strand). Cytogenetic location: 20q13.33.
Variant type: single nucleotide variant.
Coding change: c.1259C>A on transcript NM_172107.4 (MANE Select); coding-DNA position 1259, C replaced by A.
Protein change: p.Pro420Gln; replaces proline 420 with glutamine.
Molecular consequence: missense variant. On other transcripts: intron variant (3).
Genome position (GRCh38, 1-based): chr20:63,419,661, G>T on the plus strand (C>A on the coding strand, the complement: KCNQ2 is on the minus strand). VCF-style: chr20-63419661-G-T. GRCh37 (hg19) VCF-style: chr20-62051014-G-T.
Other names: c.1217+4516C>A (NM_004518.6); c.1247+4516C>A (NM_172108.5, NM_172106.3); short protein forms P420Q.
Identifiers: ClinVar variation 855526 (VCV000855526.10), dbSNP rs139164500, ClinGen allele CA317437134.